The following is an entry in ClinVar:

ClinVar aggregate classification (germline): Uncertain significance. Review status: criteria provided, multiple submitters, no conflicts (2 of 4 stars). 3 submissions from 3 submitters: Uncertain significance (3). Last evaluated 2025-10-14.

Conditions:
Infantile nephronophthisis (NPHP2). Also called: Nephronophthisis 2; Nephronophthisis 2, infantile. Identifiers: Orphanet 655, Orphanet 93591, MedGen C1865872, MONDO:0011190, OMIM 602088.
Inborn genetic diseases. Identifiers: MedGen C0950123, MeSH D030342.
Nephronophthisis. Also called: Juvenile Nephronophthisis. Identifiers: Orphanet 655, MedGen C0687120, MONDO:0019005, HP:0000090.

Allele frequency attached by ClinVar (database versions not stated): TOPMed 0.00001; gnomAD exomes 0.00002 and below 0.00001; gnomAD 0.00003.
gnomAD v4.1: 34 of 1,613,988 alleles (0.0021%); highest among the groups gnomAD compares: Non-Finnish European, 0.0027%; no homozygotes.

Submissions (3):

Ambry Genetics
Classification: Uncertain significance for Inborn genetic diseases. Last evaluated: 2025-10-14. Review status: criteria provided, single submitter. Criteria: Ambry Variant Classification Scheme 2023. Collection method: clinical testing. Allele origin: germline.

Fulgent Genetics
Classification: Uncertain significance for Infantile nephronophthisis. Last evaluated: 2024-01-20. Review status: criteria provided, single submitter. Criteria: ACMG Guidelines, 2015. Collection method: clinical testing. Allele origin: germline.

Labcorp Genetics (formerly Invitae), Labcorp
Classification: Uncertain significance for Nephronophthisis. Last evaluated: 2022-03-19. Review status: criteria provided, single submitter. Criteria: Invitae Variant Classification Sherloc (09022015). Collection method: clinical testing. Allele origin: germline.
Comment: This sequence change replaces histidine, which is basic and polar, with asparagine, which is neutral and polar, at codon 199 of the INVS protein (p.His199Asn). This variant is present in population databases (rs751348020, gnomAD 0.004%). This variant has not been reported in the literature in individuals affected with INVS-related conditions. ClinVar contains an entry for this variant (Variation ID: 1060814). Algorithms developed to predict the effect of missense changes on protein structure and function (SIFT, PolyPhen-2, Align-GVGD) all suggest that this variant is likely to be tolerated. In summary, the available evidence is currently insufficient to determine the role of this variant in disease. Therefore, it has been classified as a Variant of Uncertain Significance.

NM_014425.5(INVS):c.595C>A (p.His199Asn)

Gene: INVS (inversin; plus strand). Cytogenetic location: 9q31.1.
Variant type: single nucleotide variant.
Coding change: c.595C>A on transcript NM_014425.5 (MANE Select); coding-DNA position 595, C replaced by A.
Protein change: p.His199Asn; replaces histidine 199 with asparagine.
Molecular consequence: missense variant. On other transcripts: 5 prime UTR variant (1), non-coding transcript variant (1).
Genome position (GRCh38, 1-based): chr9:100,229,807, C>A. VCF-style: chr9-100229807-C-A. GRCh37 (hg19) VCF-style: chr9-102992089-C-A.
Other names: c.595C>A (NM_014425.2); c.307C>A, p.His103Asn (NM_001318381.2); c.-395C>A (NM_001318382.2); short protein forms H103N, H199N.
Identifiers: ClinVar variation 1060814 (VCV001060814.8), dbSNP rs751348020, ClinGen allele CA197185326.
Genomic context (GRCh38, chr9:100,229,807, plus strand): 5'-GATGTTGAAGGCAAGATCCCACTTCACTGGGCAGCCAACCATAAAGATCCAAGTGCTGTT[C>A]ACACAGTGAGATGCATTCTGGTGAGTTGAATGGTACTGCTAGACCTGAATGGCCTTGAAA-3'
Protein context (NP_055240.2, residues 189-209): AANHKDPSAV[His199Asn]TVRCILDAAP